The following is an entry in ClinVar:

ClinVar aggregate classification (germline): Uncertain significance (1 of 4 stars; one submission).

Submission:

Ambry Genetics
Classification: Uncertain significance. Last evaluated: 2024-01-01. Review status: criteria provided, single submitter. Criteria: Ambry Variant Classification Scheme 2023. Collection method: clinical testing. Allele origin: germline.
Comment: The p.A123E variant (also known as c.368C>A), located in coding exon 1 of the TERF2IP gene, results from a C to A substitution at nucleotide position 368. The alanine at codon 123 is replaced by glutamic acid, an amino acid with dissimilar properties. This amino acid position is conserved. In addition, this alteration is predicted to be tolerated by in silico analysis. Since supporting evidence is limited at this time, the clinical significance of this alteration remains unclear.

NM_018975.4(TERF2IP):c.368C>A (p.Ala123Glu)

Gene: TERF2IP (TERF2 interacting protein; plus strand). Cytogenetic location: 16q23.1.
Variant type: single nucleotide variant.
Coding change: c.368C>A on transcript NM_018975.4 (MANE Select); coding-DNA position 368, C replaced by A.
Protein change: p.Ala123Glu; replaces alanine 123 with glutamic acid.
Molecular consequence: missense variant. On other transcripts: non-coding transcript variant (1).
Genome position (GRCh38, 1-based): chr16:75,648,250, C>A. VCF-style: chr16-75648250-C-A. GRCh37 (hg19) VCF-style: chr16-75682148-C-A.
Other names: short protein forms A123E.
Identifiers: ClinVar variation 3227172 (VCV003227172.1), dbSNP rs777673535, ClinGen allele CA396817757.